The following is an entry in ClinVar:

NM_003919.3(SGCE):c.445A>C (p.Asn149His)

Genes: CASD1 (CAS1 domain sialic acid O acetyltransferase 1; plus strand), SGCE (sarcoglycan epsilon; minus strand). Cytogenetic location: 7q21.3.
Variant type: single nucleotide variant.
Coding change: c.445A>C on transcript NM_003919.3 (MANE Select); coding-DNA position 445, A replaced by C.
Protein change: p.Asn149His; replaces asparagine 149 with histidine.
Molecular consequence: missense variant.
Genome position (GRCh38, 1-based): chr7:94,623,343, T>G on the plus strand (A>C on the coding strand, the complement: SGCE is on the minus strand). VCF-style: chr7-94623343-T-G. GRCh37 (hg19) VCF-style: chr7-94252655-T-G.
Other names: c.445A>C, p.Asn149His (NM_001099400.2, NM_001099401.2, NM_001346717.2); c.322A>C, p.Asn108His (NM_001301139.2, NM_001362809.2); c.553A>C, p.Asn185His (NM_001346713.2, NM_001346715.2); c.358A>C, p.Asn120His (NM_001346719.2, NM_001362807.2); c.172A>C, p.Asn58His (NM_001346720.2, NM_001362808.2); short protein forms N108H, N185H, N120H, N149H, N58H.
Identifiers: ClinVar variation 3714524 (VCV003714524.2).

ClinVar aggregate classification (germline): Uncertain significance (1 of 4 stars; one submission).

Conditions:
Myoclonic dystonia 11 (DYT11). Also called: Myoclonic dystonia; Dystonia 11; Dystonia, alcohol responsive; Hereditary essential myoclonus; SGCE Myoclonus-Dystonia; Myoclonus-Dystonia. Identifiers: Orphanet 36899, MedGen C1834570, MONDO:0008044, OMIM 159900.

gnomAD v4.1: 3 of 1,598,282 alleles (0.00019%); highest among the groups gnomAD compares: Admixed American, 0.0017%; no homozygotes.

Submission:

Labcorp Genetics (formerly Invitae), Labcorp
Classification: Uncertain significance for Myoclonic dystonia 11. Last evaluated: 2024-08-08. Review status: criteria provided, single submitter. Criteria: Invitae Variant Classification Sherloc (09022015). Collection method: clinical testing. Allele origin: germline.
Comment: This sequence change replaces asparagine, which is neutral and polar, with histidine, which is basic and polar, at codon 149 of the SGCE protein (p.Asn149His). This variant is not present in population databases (gnomAD no frequency). This variant has not been reported in the literature in individuals affected with SGCE-related conditions. Advanced modeling of protein sequence and biophysical properties (such as structural, functional, and spatial information, amino acid conservation, physicochemical variation, residue mobility, and thermodynamic stability) performed at Invitae indicates that this missense variant is not expected to disrupt SGCE protein function with a negative predictive value of 80%. In summary, the available evidence is currently insufficient to determine the role of this variant in disease. Therefore, it has been classified as a Variant of Uncertain Significance.